The following is an entry in ClinVar:

GRCh37/hg19 2q33.2-33.3(chr2:204032747-205890355)x1

Genes: CTLA4 (cytotoxic T-lymphocyte associated protein 4; plus strand), ICOS (inducible T cell costimulator; plus strand), NBEAL1 (neurobeachin like 1; plus strand), PARD3B (par-3 family cell polarity regulator beta; plus strand), RAPH1 (Ras association (RalGDS/AF-6) and pleckstrin homology domains 1; minus strand) and 3 more. Cytogenetic location: 2q33.2-33.3.
Variant type: copy number loss.
Change: copy number 1 (one copy instead of two) of chr2:204,032,747-205,890,355 (1.86 Mb, GRCh37 coordinates, 1-based), cytogenetic band 2q33.2-33.3.
Identifiers: ClinVar variation 187825 (VCV000187825.4).

ClinVar aggregate classification (germline): Likely pathogenic (1 of 4 stars; one submission).

Submission:

Cytogenetics Laboratory, University of Washington
Classification: Likely pathogenic. Last evaluated: 2014-03-25. Review status: criteria provided, single submitter. Criteria: UW Cytogenetics and Genomics Laboratory Policy on CNV Interpretation (5/6/2015). Collection method: clinical testing. Allele origin: unknown. Affected: yes. Observed: 1 variant allele.